The following is an entry in ClinVar:

ClinVar aggregate classification (germline): Uncertain significance (0 of 4 stars; one submission).

Conditions:
PLXNA4-related disorder. Also called: PLXNA4-related condition.

gnomAD v4.1: 4 of 1,613,990 alleles (0.00025%); highest among the groups gnomAD compares: Non-Finnish European, 0.00034%; no homozygotes.

Submission:

PreventionGenetics, part of Exact Sciences
Classification: Uncertain significance for PLXNA4-related condition. Last evaluated: 2023-11-06. Review status: no assertion criteria provided. Collection method: clinical testing. Allele origin: germline.
Comment: The PLXNA4 c.1645C>A variant is predicted to result in the amino acid substitution p.Arg549Ser. To our knowledge, this variant has not been reported in the literature or in a large population database, indicating this variant is rare. At this time, the clinical significance of this variant is uncertain due to the absence of conclusive functional and genetic evidence.

NM_020911.2(PLXNA4):c.1645C>A (p.Arg549Ser)

Gene: PLXNA4 (plexin A4; minus strand). Cytogenetic location: 7q32.3.
Variant type: single nucleotide variant.
Coding change: c.1645C>A on transcript NM_020911.2 (MANE Select); coding-DNA position 1645, C replaced by A.
Protein change: p.Arg549Ser; replaces arginine 549 with serine.
Molecular consequence: missense variant.
Genome position (GRCh38, 1-based): chr7:132,228,429, G>T on the plus strand (C>A on the coding strand, the complement: PLXNA4 is on the minus strand). VCF-style: chr7-132228429-G-T. GRCh37 (hg19) VCF-style: chr7-131913188-G-T.
Other names: c.1645C>A, p.Arg549Ser (NM_001393897.1); short protein forms R549S.
Identifiers: ClinVar variation 3356975 (VCV003356975.1).